The following is an entry in ClinVar:

ClinVar aggregate classification (germline): Uncertain significance. Review status: criteria provided, multiple submitters, no conflicts (2 of 4 stars). 2 submissions from 2 submitters: Uncertain significance (2). Last evaluated 2024-04-30.

Conditions:
Hereditary cancer-predisposing syndrome. Also called: Hereditary Cancer Syndrome; Hereditary neoplastic syndrome; Tumor predisposition; Neoplastic Syndromes, Hereditary. Identifiers: Orphanet 140162, MedGen C0027672, MeSH D009386, MONDO:0015356.
Bloom syndrome (BLM). Also called: Bloom-Torre-Machacek syndrome. Identifiers: Orphanet 125, MedGen C0005859, MONDO:0008876, OMIM 210900.

Submissions (2):

Labcorp Genetics (formerly Invitae), Labcorp
Classification: Uncertain significance for Bloom syndrome. Last evaluated: 2024-04-30. Review status: criteria provided, single submitter. Criteria: Invitae Variant Classification Sherloc (09022015). Collection method: clinical testing. Allele origin: germline.
Comment: This variant, c.2515_2517del, results in the deletion of 1 amino acid(s) of the BLM protein (p.Lys839del), but otherwise preserves the integrity of the reading frame. This variant is not present in population databases (gnomAD no frequency). This variant has not been reported in the literature in individuals affected with BLM-related conditions. ClinVar contains an entry for this variant (Variation ID: 1792452). Experimental studies and prediction algorithms are not available or were not evaluated, and the functional significance of this variant is currently unknown. In summary, the available evidence is currently insufficient to determine the role of this variant in disease. Therefore, it has been classified as a Variant of Uncertain Significance.

Ambry Genetics
Classification: Uncertain significance for Hereditary cancer-predisposing syndrome. Last evaluated: 2023-12-26. Review status: criteria provided, single submitter. Criteria: Ambry Variant Classification Scheme 2023. Collection method: clinical testing. Allele origin: germline.
Comment: The c.2515_2517delAAG variant (also known as p.K839del) is located in coding exon 11 of the BLM gene. This variant results from an in-frame AAG deletion at nucleotide positions 2515 to 2517. This results in the in-frame deletion of a lysine at codon 839. This amino acid position is well conserved in available vertebrate species. In addition, this alteration is predicted to be deleterious by in silico analysis (Choi Y et al. PLoS ONE. 2012; 7(10):e46688). Since supporting evidence is limited at this time, the clinical significance of this alteration remains unclear.

NM_000057.4(BLM):c.2515_2517del (p.Lys839del)

Gene: BLM (BLM RecQ like helicase; plus strand). Cytogenetic location: 15q26.1.
Variant type: Deletion.
Coding change: c.2515_2517del on transcript NM_000057.4 (MANE Select); coding-DNA positions 2515 to 2517, 3 bases deleted (AAG; older notation c.2515_2517delAAG).
Protein change: p.Lys839del; deletes lysine 839.
Molecular consequence: inframe deletion.
Genome position (GRCh38, 1-based): chr15:90,769,546-90,769,548, AAG deleted; deleting any 3 consecutive bases within chr15:90,769,544-90,769,548 gives the same sequence; the c. name uses the placement nearest the transcript's 3' end. VCF-style (leftmost placement, unchanged base first): chr15-90769543-CAGA-C. GRCh37 (hg19) VCF-style: chr15-91312773-CAGA-C.
Other names: c.2515_2517del, p.Lys839del (NM_001287246.2, NM_001287247.2); c.1390_1392del, p.Lys464del (NM_001287248.2); short protein forms K464del, K839del.
Identifiers: ClinVar variation 1792452 (VCV001792452.7), dbSNP rs1190508526, ClinGen allele CA717023102.